The following is an entry in ClinVar:

NM_000143.4(FH):c.1322A>G (p.Asn441Ser)

Gene: FH (fumarate hydratase; minus strand). Cytogenetic location: 1q43.
Variant type: single nucleotide variant.
Coding change: c.1322A>G on transcript NM_000143.4 (MANE Select); coding-DNA position 1322, A replaced by G.
Protein change: p.Asn441Ser; replaces asparagine 441 with serine.
Molecular consequence: missense variant.
Genome position (GRCh38, 1-based): chr1:241,500,505, T>C on the plus strand (A>G on the coding strand, the complement: FH is on the minus strand). VCF-style: chr1-241500505-T-C. GRCh37 (hg19) VCF-style: chr1-241663805-T-C.
Other names: short protein forms N441S.
Identifiers: ClinVar variation 529827 (VCV000529827.5), dbSNP rs1357584529, ClinGen allele CA345436593.

ClinVar aggregate classification (germline): Uncertain significance. Review status: criteria provided, multiple submitters, no conflicts (2 of 4 stars). 2 submissions from 2 submitters: Uncertain significance (2). Last evaluated 2024-09-16.

Conditions:
Hereditary cancer-predisposing syndrome. Also called: Hereditary neoplastic syndrome; Neoplastic Syndromes, Hereditary; Hereditary Cancer Syndrome; Tumor predisposition. Identifiers: Orphanet 140162, MedGen C0027672, MeSH D009386, MONDO:0015356.

Allele frequency attached by ClinVar (database versions not stated): gnomAD exomes below 0.00001.

Submissions (2):

Ambry Genetics
Classification: Uncertain significance for Hereditary cancer-predisposing syndrome. Last evaluated: 2024-09-16. Review status: criteria provided, single submitter. Criteria: Ambry Variant Classification Scheme 2023. Collection method: clinical testing. Allele origin: germline.
Comment: The p.N441S variant (also known as c.1322A>G), located in coding exon 9 of the FH gene, results from an A to G substitution at nucleotide position 1322. The asparagine at codon 441 is replaced by serine, an amino acid with highly similar properties. This amino acid position is highly conserved in available vertebrate species. In addition, the in silico prediction for this alteration is inconclusive. Based on the available evidence, the clinical significance of this variant remains unclear.

Labcorp Genetics (formerly Invitae), Labcorp
Classification: Uncertain significance. Last evaluated: 2021-10-25. Review status: criteria provided, single submitter. Criteria: Invitae Variant Classification Sherloc (09022015). Collection method: clinical testing. Allele origin: germline.
Comment: This sequence change replaces asparagine with serine at codon 441 of the FH protein (p.Asn441Ser). The asparagine residue is highly conserved and there is a small physicochemical difference between asparagine and serine. This variant is not present in population databases (ExAC no frequency). This variant has not been reported in the literature in individuals affected with FH-related conditions. Algorithms developed to predict the effect of missense changes on protein structure and function are either unavailable or do not agree on the potential impact of this missense change (SIFT: "Deleterious"; PolyPhen-2: "Benign"; Align-GVGD: "Class C45"). In summary, the available evidence is currently insufficient to determine the role of this variant in disease. Therefore, it has been classified as a Variant of Uncertain Significance.